The following is an entry in ClinVar:

NM_144596.4(TTC8):c.758A>G (p.Lys253Arg)

Gene: TTC8 (tetratricopeptide repeat domain 8; plus strand). Cytogenetic location: 14q31.3.
Variant type: single nucleotide variant.
Coding change: c.758A>G on transcript NM_144596.4 (MANE Select); coding-DNA position 758, A replaced by G.
Protein change: p.Lys253Arg; replaces lysine 253 with arginine.
Molecular consequence: missense variant. On other transcripts: non-coding transcript variant (1).
Genome position (GRCh38, 1-based): chr14:88,857,237, A>G. VCF-style: chr14-88857237-A-G. GRCh37 (hg19) VCF-style: chr14-89323581-A-G.
Other names: c.806A>G, p.Lys269Arg (NM_001288781.1); c.164A>G, p.Lys55Arg (NM_001288782.1); c.41A>G, p.Lys14Arg (NM_001288783.1); c.728A>G, p.Lys243Arg (NM_001366535.2, NM_198309.3); c.638A>G, p.Lys213Arg (NM_001366536.2, NM_198310.3); short protein forms K243R, K269R, K14R, K253R, K213R, K55R.
Identifiers: ClinVar variation 1999055 (VCV001999055.4), dbSNP rs2546203419, ClinGen allele CA390546113.

ClinVar aggregate classification (germline): Uncertain significance (1 of 4 stars; one submission).

Conditions:
Bardet-Biedl syndrome (BBS). Identifiers: Orphanet 110, MedGen C0752166, MONDO:0015229.

Submission:

Labcorp Genetics (formerly Invitae), Labcorp
Classification: Uncertain significance for Bardet-Biedl syndrome. Last evaluated: 2023-03-23. Review status: criteria provided, single submitter. Criteria: Invitae Variant Classification Sherloc (09022015). Collection method: clinical testing. Allele origin: germline.
Comment: ClinVar contains an entry for this variant (Variation ID: 1999055). Advanced modeling of protein sequence and biophysical properties (such as structural, functional, and spatial information, amino acid conservation, physicochemical variation, residue mobility, and thermodynamic stability) performed at Invitae indicates that this missense variant is not expected to disrupt TTC8 protein function. In summary, the available evidence is currently insufficient to determine the role of this variant in disease. Therefore, it has been classified as a Variant of Uncertain Significance. This sequence change replaces lysine, which is basic and polar, with arginine, which is basic and polar, at codon 243 of the TTC8 protein (p.Lys243Arg). This variant is not present in population databases (gnomAD no frequency). This variant has not been reported in the literature in individuals affected with TTC8-related conditions.